The following is an entry in ClinVar:

ClinVar aggregate classification (germline): Uncertain significance. Review status: criteria provided, multiple submitters, no conflicts (2 of 4 stars). 2 submissions from 2 submitters: Uncertain significance (2). Last evaluated 2025-01-29.

Allele frequency attached by ClinVar (database versions not stated): gnomAD 0.00008; 1000 Genomes Project 30x 0.00031; ExAC 0.00008; 1000 Genomes Project 0.00020; ESP Exome Variant Server 0.00008; gnomAD exomes 0.00008; TOPMed 0.00009.

Submissions (2):

Labcorp Genetics (formerly Invitae), Labcorp
Classification: Uncertain significance. Last evaluated: 2025-01-29. Review status: criteria provided, single submitter. Criteria: Invitae Variant Classification Sherloc (09022015). Collection method: clinical testing. Allele origin: germline.
Comment: This sequence change replaces lysine, which is basic and polar, with glutamine, which is neutral and polar, at codon 609 of the EIF2AK1 protein (p.Lys609Gln). This variant is present in population databases (rs370337163, gnomAD 0.02%). This variant has not been reported in the literature in individuals affected with EIF2AK1-related conditions. ClinVar contains an entry for this variant (Variation ID: 2076623). An algorithm developed to predict the effect of missense changes on protein structure and function outputs the following: PolyPhen-2: "Benign". The glutamine amino acid residue is found in multiple mammalian species, which suggests that this missense change does not adversely affect protein function. In summary, the available evidence is currently insufficient to determine the role of this variant in disease. Therefore, it has been classified as a Variant of Uncertain Significance.

Ambry Genetics
Classification: Uncertain significance. Last evaluated: 2024-06-11. Review status: criteria provided, single submitter. Criteria: Ambry Variant Classification Scheme 2023. Collection method: clinical testing. Allele origin: germline.

NM_014413.4(EIF2AK1):c.1825A>C (p.Lys609Gln)

Gene: EIF2AK1 (eukaryotic translation initiation factor 2 alpha kinase 1; minus strand). Cytogenetic location: 7p22.1.
Variant type: single nucleotide variant.
Coding change: c.1825A>C on transcript NM_014413.4 (MANE Select); coding-DNA position 1825, A replaced by C.
Protein change: p.Lys609Gln; replaces lysine 609 with glutamine.
Molecular consequence: missense variant.
Genome position (GRCh38, 1-based): chr7:6,024,741, T>G on the plus strand (A>C on the coding strand, the complement: EIF2AK1 is on the minus strand). VCF-style: chr7-6024741-T-G. GRCh37 (hg19) VCF-style: chr7-6064372-T-G.
Other names: c.1822A>C, p.Lys608Gln (NM_001134335.2); c.1825A>C (NM_014413.3); short protein forms K609Q, K608Q.
Identifiers: ClinVar variation 2076623 (VCV002076623.5), dbSNP rs370337163, ClinGen allele CA4150586.